The following is an entry in ClinVar:

NM_001005273.3(CHD3):c.3028C>T (p.Arg1010Ter)

Gene: CHD3 (chromodomain helicase DNA binding protein 3; plus strand). Cytogenetic location: 17p13.1.
Variant type: single nucleotide variant.
Coding change: c.3028C>T on transcript NM_001005273.3 (MANE Select); coding-DNA position 3028, C replaced by T.
Protein change: p.Arg1010Ter; replaces arginine 1010 with a stop codon.
Molecular consequence: nonsense.
Genome position (GRCh38, 1-based): chr17:7,900,901, C>T. VCF-style: chr17-7900901-C-T. GRCh37 (hg19) VCF-style: chr17-7804219-C-T.
Other names: c.3205C>T, p.Arg1069Ter (NM_001005271.3); c.3028C>T, p.Arg1010Ter (NM_005852.4); short protein forms R1010*, R1069*.
Identifiers: ClinVar variation 3031695 (VCV003031695.17), dbSNP rs2544958343, ClinGen allele CA397940915.
Genomic context (GRCh38, chr17:7,900,901, plus strand): 5'-CTGGCCTTTAGGAAATACTACAAATACATCCTGACTCGAAATTTTGAGGCCTTGAATTCA[C>T]GAGGTGGTGGGAACCAGGTGTCGCTGCTTAATATCATGATGGATCTTAAGAAGTGCTGCA-3'

ClinVar aggregate classification (germline): Likely pathogenic. Review status: criteria provided, single submitter (1 of 4 stars). 2 submissions from 2 submitters: Likely pathogenic (1). 1 of the submissions does not count toward it. Last evaluated 2024-08-01.

Conditions:
CHD3-related disorder. Also called: CHD3-related condition.

Submissions (2):

CeGaT Center for Human Genetics Tuebingen
Classification: Likely pathogenic. Last evaluated: 2024-08-01. Review status: criteria provided, single submitter. Criteria: CeGaT Center For Human Genetics Tuebingen Variant Classification Criteria Version 2. Collection method: clinical testing. Allele origin: germline. Affected: yes. Observed: 1 variant allele.
Comment: CHD3: PVS1:Strong, PM2

PreventionGenetics, part of Exact Sciences
Classification: Likely pathogenic for CHD3-related condition. Last evaluated: 2024-01-19. Review status: no assertion criteria provided. Collection method: clinical testing. Allele origin: germline. Not counted in ClinVar's aggregate classification.
Comment: The CHD3 c.3205C>T variant is predicted to result in premature protein termination (p.Arg1069*). To our knowledge, this variant has not been reported in the literature or in a large population database, indicating this variant is rare. Nonsense variants in CHD3 are expected to be pathogenic. This variant is interpreted as likely pathogenic.